The following is an entry in ClinVar:

ClinVar aggregate classification (germline): Uncertain significance. Review status: criteria provided, multiple submitters, no conflicts (2 of 4 stars). 3 submissions from 2 submitters: Uncertain significance (3). Last evaluated 2025-09-20.

Conditions:
Autosomal recessive osteopetrosis 7. Identifiers: Orphanet 178389, MedGen C2676766, MONDO:0012859, OMIM 612301.
Paget disease of bone 2, early-onset (PDB2). Also called: Paget disease of bone 2. Identifiers: MedGen C4085251, MONDO:0011183, OMIM 602080.

Allele frequency attached by ClinVar (database versions not stated): gnomAD 0.00001; gnomAD exomes 0.00004; ExAC 0.00005; 1000 Genomes Project 30x 0.00016; 1000 Genomes Project 0.00020.
gnomAD v4.1: 45 of 1,611,972 alleles (0.0028%); highest among the groups gnomAD compares: Middle Eastern, 0.033%; no homozygotes.

Submissions (3):

Labcorp Genetics (formerly Invitae), Labcorp
Classification: Uncertain significance. Last evaluated: 2025-09-20. Review status: criteria provided, single submitter. Criteria: Invitae Variant Classification Sherloc (09022015). Collection method: clinical testing. Allele origin: germline.
Comment: This sequence change falls in intron 7 of the TNFRSF11A gene. It does not directly change the encoded amino acid sequence of the TNFRSF11A protein. It affects a nucleotide within the consensus splice site. This variant is present in population databases (rs554552883, gnomAD 0.03%). This variant has not been reported in the literature in individuals affected with TNFRSF11A-related conditions. ClinVar contains an entry for this variant (Variation ID: 888933). Variants that disrupt the consensus splice site are a relatively common cause of aberrant splicing (PMID: 17576681, 9536098). Algorithms developed to predict the effect of sequence changes on RNA splicing suggest that this variant is not likely to affect RNA splicing. In summary, the available evidence is currently insufficient to determine the role of this variant in disease. Therefore, it has been classified as a Variant of Uncertain Significance.

Illumina Laboratory Services, Illumina
Classification: Uncertain significance for Autosomal recessive osteopetrosis 7. Last evaluated: 2018-01-12. Review status: criteria provided, single submitter. Criteria: ICSL Variant Classification Criteria 13 December 2019. Collection method: clinical testing. Allele origin: germline.

Illumina Laboratory Services, Illumina
Classification: Uncertain significance for Paget disease of bone 2, early-onset. Last evaluated: 2018-01-12. Review status: criteria provided, single submitter. Criteria: ICSL Variant Classification Criteria 13 December 2019. Collection method: clinical testing. Allele origin: germline.

Literature cited by the submitters: PubMed 17576681 (cited by Labcorp Genetics (formerly Invitae), Labcorp); PubMed 9536098 (cited by Labcorp Genetics (formerly Invitae), Labcorp).

NM_003839.4(TNFRSF11A):c.730+6G>C

Gene: TNFRSF11A (TNF receptor superfamily member 11a; plus strand). Cytogenetic location: 18q21.33.
Variant type: single nucleotide variant.
Coding change: c.730+6G>C on transcript NM_003839.4 (MANE Select); 6 bases into the intron after coding-DNA position 730, G replaced by C.
Molecular consequence: intron variant.
Genome position (GRCh38, 1-based): chr18:62,361,799, G>C. VCF-style: chr18-62361799-G-C. GRCh37 (hg19) VCF-style: chr18-60029032-G-C.
Other names: c.730+6G>C (NM_001270949.2, NM_001270950.2); c.616+1750G>C (NM_001270951.2); c.688+6G>C (NM_001278268.2).
Identifiers: ClinVar variation 888933 (VCV000888933.9), dbSNP rs554552883, ClinGen allele CA8983843.